The following is an entry in ClinVar:

ClinVar aggregate classification (germline): Likely pathogenic (1 of 4 stars; one submission).

Conditions:
Pierson syndrome. Also called: MICROCORIA-CONGENITAL NEPHROTIC SYNDROME. Identifiers: Orphanet 2670, MedGen C1836876, MONDO:0012184, OMIM 609049.

Submission:

3billion
Classification: Likely pathogenic for Pierson syndrome. Last evaluated: 2024-06-20. Review status: criteria provided, single submitter. Criteria: ACMG Guidelines, 2015. Collection method: clinical testing. Allele origin: germline. Affected: yes.
Comment: The variant is observed at an extremely low frequency in the gnomAD v4.0.0 dataset (total allele frequency: <0.001%). Predicted Consequence/Location: Canonical splice site: predicted to alter splicing and result in a loss or disruption of normal protein function. Multiple pathogenic loss-of-function variants are reported downstream of the variant. Therefore, this variant is classified as Likely pathogenic according to the recommendation of ACMG/AMP guideline.

NM_002292.4(LAMB2):c.649-2A>G

Gene: LAMB2 (laminin subunit beta 2; minus strand). Cytogenetic location: 3p21.31.
Variant type: single nucleotide variant.
Coding change: c.649-2A>G on transcript NM_002292.4 (MANE Select); the canonical splice acceptor site of the intron before coding-DNA position 649, A replaced by G.
Molecular consequence: splice acceptor variant.
Genome position (GRCh38, 1-based): chr3:49,131,444, T>C on the plus strand (A>G on the coding strand, the complement: LAMB2 is on the minus strand). VCF-style: chr3-49131444-T-C. GRCh37 (hg19) VCF-style: chr3-49168877-T-C.
Identifiers: ClinVar variation 4292186 (VCV004292186.1).